The following is an entry in ClinVar:

ClinVar aggregate classification (germline): Uncertain significance. Review status: criteria provided, multiple submitters, no conflicts (2 of 4 stars). 3 submissions from 3 submitters: Uncertain significance (3). Last evaluated 2025-03-13.

Conditions:
Inborn genetic diseases. Identifiers: MedGen C0950123, MeSH D030342.
Infantile-onset ascending hereditary spastic paralysis (IAHSP). Also called: Autosomal Recessive Juvenile Amyotrophic Lateral Sclerosis; Infantile-Onset Ascending Hereditary Spastic Paralysis (IAHSP). Identifiers: Orphanet 293168, MedGen C2931441, MONDO:0011797, OMIM 607225. Disease mechanism: loss of function.

Allele frequency attached by ClinVar (database versions not stated): gnomAD 0.00001; gnomAD exomes 0.00001; ExAC 0.00002.
gnomAD v4.1: 13 of 1,613,290 alleles (0.00081%); highest among the groups gnomAD compares: South Asian, 0.0022%; no homozygotes.

Submissions (3):

Ambry Genetics
Classification: Uncertain significance for Inborn genetic diseases. Last evaluated: 2025-03-13. Review status: criteria provided, single submitter. Criteria: Ambry Variant Classification Scheme 2023. Collection method: clinical testing. Allele origin: germline.

Labcorp Genetics (formerly Invitae), Labcorp
Classification: Uncertain significance for Infantile-onset ascending hereditary spastic paralysis. Last evaluated: 2021-08-07. Review status: criteria provided, single submitter. Criteria: Invitae Variant Classification Sherloc (09022015). Collection method: clinical testing. Allele origin: germline.
Comment: This sequence change replaces arginine with glutamine at codon 1461 of the ALS2 protein (p.Arg1461Gln). The arginine residue is moderately conserved and there is a small physicochemical difference between arginine and glutamine. This variant is present in population databases (rs758889641, ExAC 0.003%). This variant has not been reported in the literature in individuals with ALS2-related conditions. Algorithms developed to predict the effect of missense changes on protein structure and function (SIFT, PolyPhen-2, Align-GVGD) all suggest that this variant is likely to be tolerated, but these predictions have not been confirmed by published functional studies and their clinical significance is uncertain. In summary, the available evidence is currently insufficient to determine the role of this variant in disease. Therefore, it has been classified as a Variant of Uncertain Significance.

Revvity Omics, Revvity
Classification: Uncertain significance. Last evaluated: 2020-07-29. Review status: criteria provided, single submitter. Criteria: ACMG Guidelines, 2015. Collection method: clinical testing. Allele origin: germline.

NM_020919.4(ALS2):c.4382G>A (p.Arg1461Gln)

Gene: ALS2 (alsin Rho guanine nucleotide exchange factor ALS2; minus strand). Cytogenetic location: 2q33.1.
Variant type: single nucleotide variant.
Coding change: c.4382G>A on transcript NM_020919.4 (MANE Select); coding-DNA position 4382, G replaced by A.
Protein change: p.Arg1461Gln; replaces arginine 1461 with glutamine.
Molecular consequence: missense variant.
Genome position (GRCh38, 1-based): chr2:201,707,890, C>T on the plus strand (G>A on the coding strand, the complement: ALS2 is on the minus strand). VCF-style: chr2-201707890-C-T. GRCh37 (hg19) VCF-style: chr2-202572613-C-T.
Other names: c.4382G>A (NM_020919.3); short protein forms R1461Q.
Identifiers: ClinVar variation 1391664 (VCV001391664.10), dbSNP rs758889641, ClinGen allele CA2057599.